The following is an entry in ClinVar:

NM_004064.5(CDKN1B):c.554A>C (p.Glu185Ala)

Gene: CDKN1B (cyclin dependent kinase inhibitor 1B; plus strand). Cytogenetic location: 12p13.1.
Variant type: single nucleotide variant.
Coding change: c.554A>C on transcript NM_004064.5 (MANE Select); coding-DNA position 554, A replaced by C.
Protein change: p.Glu185Ala; replaces glutamic acid 185 with alanine.
Molecular consequence: missense variant.
Genome position (GRCh38, 1-based): chr12:12,718,903, A>C. VCF-style: chr12-12718903-A-C. GRCh37 (hg19) VCF-style: chr12-12871837-A-C.
Other names: short protein forms E185A.
Identifiers: ClinVar variation 4224758 (VCV004224758.1).

ClinVar aggregate classification (germline): Uncertain significance (1 of 4 stars; one submission).

Conditions:
Hereditary cancer-predisposing syndrome. Also called: Hereditary Cancer Syndrome; Hereditary neoplastic syndrome; Neoplastic Syndromes, Hereditary; Tumor predisposition. Identifiers: Orphanet 140162, MedGen C0027672, MeSH D009386, MONDO:0015356.

Submission:

Ambry Genetics
Classification: Uncertain significance for Hereditary cancer-predisposing syndrome. Last evaluated: 2025-09-01. Review status: criteria provided, single submitter. Criteria: Ambry Variant Classification Scheme 2023. Collection method: clinical testing. Allele origin: germline.
Comment: The p.E185A variant (also known as c.554A>C), located in coding exon 2 of the CDKN1B gene, results from an A to C substitution at nucleotide position 554. The glutamic acid at codon 185 is replaced by alanine, an amino acid with dissimilar properties. This amino acid position is conserved. In addition, the in silico prediction for this alteration is inconclusive. Based on the available evidence, the clinical significance of this variant remains unclear.